The following is an entry in ClinVar:

NM_000400.4(ERCC2):c.2068C>T (p.Arg690Trp)

Gene: ERCC2 (ERCC excision repair 2, TFIIH core complex helicase subunit; minus strand). Cytogenetic location: 19q13.32.
Variant type: single nucleotide variant.
Coding change: c.2068C>T on transcript NM_000400.4 (MANE Select); coding-DNA position 2068, C replaced by T.
Protein change: p.Arg690Trp; replaces arginine 690 with tryptophan.
Molecular consequence: missense variant.
Genome position (GRCh38, 1-based): chr19:45,352,331, G>A on the plus strand (C>T on the coding strand, the complement: ERCC2 is on the minus strand). VCF-style: chr19-45352331-G-A. GRCh37 (hg19) VCF-style: chr19-45855589-G-A.
Other names: short protein forms R690W.
Identifiers: ClinVar variation 2066011 (VCV002066011.5), dbSNP rs751956427, ClinGen allele CA9512896.

ClinVar aggregate classification (germline): Uncertain significance. Review status: criteria provided, multiple submitters, no conflicts (2 of 4 stars). 3 submissions from 3 submitters: Uncertain significance (3). Last evaluated 2025-12-26.

Conditions:
ERCC2-related disorder. Also called: ERCC2-related conditions; ERCC2-related condition; ERCC2-related disorders. Identifiers: MedGen CN239291.

Allele frequency attached by ClinVar (database versions not stated): ExAC 0.00004.
gnomAD v4.1: 25 of 1,614,008 alleles (0.0015%); highest among the groups gnomAD compares: East Asian, 0.0022%; no homozygotes.

Submissions (3):

Myriad Genetics, Inc.
Classification: Uncertain significance for ERCC2-related disorder. Last evaluated: 2025-12-26. Review status: criteria provided, single submitter. Criteria: Myriad Autosomal Dominant, Autosomal Recessive and X-Linked Classification Criteria (2023). Collection method: clinical testing. Allele origin: unknown.
Comment: NM_000400.3(ERCC2):c.2068C>T(R690W) is a missense variant classified as a variant of uncertain significance in the context of ERCC2-related disorders. R690W has not been observed in cases with relevant disease. Relevant functional assessments of this variant are not available in the literature. R690W has been observed in referenced population frequency databases. In summary, there is insufficient evidence to classify NM_000400.3(ERCC2):c.2068C>T(R690W) as pathogenic or benign. Please note: this variant was assessed in the context of healthy population screening.

Revvity Omics, Revvity
Classification: Uncertain significance. Last evaluated: 2023-01-13. Review status: criteria provided, single submitter. Criteria: ACMG Guidelines, 2015. Collection method: clinical testing. Allele origin: germline.

Labcorp Genetics (formerly Invitae), Labcorp
Classification: Uncertain significance. Last evaluated: 2022-08-17. Review status: criteria provided, single submitter. Criteria: Invitae Variant Classification Sherloc (09022015). Collection method: clinical testing. Allele origin: germline.
Comment: This sequence change replaces arginine, which is basic and polar, with tryptophan, which is neutral and slightly polar, at codon 690 of the ERCC2 protein (p.Arg690Trp). This variant is present in population databases (rs751956427, gnomAD 0.004%). This variant has not been reported in the literature in individuals affected with ERCC2-related conditions. Algorithms developed to predict the effect of missense changes on protein structure and function are either unavailable or do not agree on the potential impact of this missense change (SIFT: "Deleterious"; PolyPhen-2: "Probably Damaging"; Align-GVGD: "Class C0"). Algorithms developed to predict the effect of sequence changes on RNA splicing suggest that this variant may create or strengthen a splice site. In summary, the available evidence is currently insufficient to determine the role of this variant in disease. Therefore, it has been classified as a Variant of Uncertain Significance.